The following is an entry in ClinVar:

ClinVar aggregate classification (germline): Uncertain significance (1 of 4 stars; one submission).

Conditions:
Glycogen storage disease, type II (IOPD). Also called: Pompe Disease; CARDIOMEGALIA GLYCOGENICA DIFFUSA; GLYCOGENOSIS, GENERALIZED, CARDIAC FORM; GSD II; POMPE DISEASE, INFANTILE-ONSET; GLYCOGEN STORAGE DISEASE II, INFANTILE-ONSET. Identifiers: Orphanet 365, MedGen C0017921, MONDO:0009290, OMIM 232300.

Submission:

Genomenon, Inc
Classification: Uncertain significance for Glycogen storage disease, type II. Last evaluated: 2026-07-01. Review status: criteria provided, single submitter. Criteria: Genomenon Sequence Variant Interpretation Standards - Updated. Collection method: curation. Allele origin: germline. Affected: no.
Comment: GAA p.His372Asp (c.1114C>G) is a missense variant that changes the amino acid at codon 372 from Histidine to Aspartic acid. This variant has been reported in the published literature (PMID:31342611;33560568). It is absent or not present at a significant frequency in gnomAD. In silico models predict that this variant is possibly or probably damaging. In conclusion, we classify GAA p.His372Asp (c.1114C>G) as a variant of uncertain significance.

Literature cited by the submitters: PubMed 31342611; PubMed 33560568.

NM_000152.5(GAA):c.1114C>G (p.His372Asp)

Gene: GAA (alpha glucosidase; plus strand). Cytogenetic location: 17q25.3.
Variant type: single nucleotide variant.
Coding change: c.1114C>G on transcript NM_000152.5 (MANE Select); coding-DNA position 1114, C replaced by G.
Protein change: p.His372Asp; replaces histidine 372 with aspartic acid.
Molecular consequence: missense variant.
Genome position (GRCh38, 1-based): chr17:80,108,527, C>G. VCF-style: chr17-80108527-C-G. GRCh37 (hg19) VCF-style: chr17-78082326-C-G.
Other names: c.1114C>G, p.His372Asp (NM_001079803.3, NM_001079804.3, NM_001406741.1 and 1 more transcripts); short protein forms H372D.
Identifiers: ClinVar variation 4876548 (VCV004876548.1).